The following is an entry in ClinVar:

ClinVar aggregate classification (germline): Likely benign (0 of 4 stars; one submission).

Conditions:
TUB-related disorder. Also called: TUB-related condition.

Submission:

PreventionGenetics, part of Exact Sciences
Classification: Likely benign for TUB-related condition. Last evaluated: 2024-07-30. Review status: no assertion criteria provided. Collection method: clinical testing. Allele origin: germline.
Comment: This variant is classified as likely benign based on ACMG/AMP sequence variant interpretation guidelines (Richards et al. 2015 PMID: 25741868, with internal and published modifications).

NM_177972.3(TUB):c.1203C>A (p.Ile401=)

Genes: RIC3 (RIC3 acetylcholine receptor chaperone; minus strand), TUB (TUB bipartite transcription factor; plus strand). Cytogenetic location: 11p15.4.
Variant type: single nucleotide variant.
Coding change: c.1203C>A on transcript NM_177972.3 (MANE Select); coding-DNA position 1203, C replaced by A.
Protein change: p.Ile401=; no amino-acid change (isoleucine 401 retained).
Molecular consequence: synonymous variant.
Genome position (GRCh38, 1-based): chr11:8,100,589, C>A. VCF-style: chr11-8100589-C-A. GRCh37 (hg19) VCF-style: chr11-8122136-C-A.
Other names: c.1368C>A, p.Ile456= (NM_003320.5).
Identifiers: ClinVar variation 3354098 (VCV003354098.1).
Genomic context (GRCh38, chr11:8,100,589, plus strand): 5'-GCCTCGGAAGATGAGCGTGATTGTCCCAGGCATGAACATGGTTCATGAGAGAGTCTCTAT[C>A]CGCCCCCGCAACGTGAGTGTCTACCCCTTCCTCCCCTCTTTCCCCATCATCCTAGTCTCT-3'
Protein context (NP_813977.1, residues 391-411): GMNMVHERVS[Ile401=]RPRNEHETLL